The following is an entry in ClinVar:

ClinVar aggregate classification (germline): Uncertain significance (1 of 4 stars; one submission).

Allele frequency attached by ClinVar (database versions not stated): gnomAD exomes below 0.00001.

Submission:

Labcorp Genetics (formerly Invitae), Labcorp
Classification: Uncertain significance. Last evaluated: 2022-04-22. Review status: criteria provided, single submitter. Criteria: Invitae Variant Classification Sherloc (09022015). Collection method: clinical testing. Allele origin: germline.
Comment: Advanced modeling of protein sequence and biophysical properties (such as structural, functional, and spatial information, amino acid conservation, physicochemical variation, residue mobility, and thermodynamic stability) performed at Invitae indicates that this missense variant is not expected to disrupt GANAB protein function. This variant has not been reported in the literature in individuals affected with GANAB-related conditions. This variant is not present in population databases (gnomAD no frequency). This sequence change replaces isoleucine, which is neutral and non-polar, with threonine, which is neutral and polar, at codon 125 of the GANAB protein (p.Ile125Thr). In summary, the available evidence is currently insufficient to determine the role of this variant in disease. Therefore, it has been classified as a Variant of Uncertain Significance.

NM_198334.3(GANAB):c.374T>C (p.Ile125Thr)

Gene: GANAB (glucosidase II alpha subunit; minus strand). Cytogenetic location: 11q12.3.
Variant type: single nucleotide variant.
Coding change: c.374T>C on transcript NM_198334.3 (MANE Select); coding-DNA position 374, T replaced by C.
Protein change: p.Ile125Thr; replaces isoleucine 125 with threonine.
Molecular consequence: missense variant. On other transcripts: 5 prime UTR variant (2), intron variant (2).
Genome position (GRCh38, 1-based): chr11:62,638,989, A>G on the plus strand (T>C on the coding strand, the complement: GANAB is on the minus strand). VCF-style: chr11-62638989-A-G. GRCh37 (hg19) VCF-style: chr11-62406461-A-G.
Other names: c.83T>C, p.Ile28Thr (NM_001278194.2, NM_001329222.2, NM_001329223.2); c.-403T>C (NM_001329224.2, NM_001329225.2); c.374T>C, p.Ile125Thr (NM_198335.4); c.39-3989T>C (NM_001278193.2, NM_001278192.2); short protein forms I28T, I125T.
Identifiers: ClinVar variation 2129325 (VCV002129325.4), dbSNP rs2539028626, ClinGen allele CA380996110.
Genomic context (GRCh38, chr11:62,638,989, plus strand): 5'-CATCAGGAAGGAGAAAGGGGCCACAGAAATGGATGTTTCTCAGGAAAAATTTACCGGGCT[A>G]TTGGTGGATCAGCCACCAAAACATCTGGTACACGGTATCGGGGTCGCCGAGGCTCCAGCT-3'
Protein context (NP_938148.1, residues 115-135): VPDVLVADPP[Ile125Thr]ARLSVSGRDE